The following is an entry in ClinVar:

NM_001320.7(CSNK2B):c.474C>A (p.Tyr158Ter)

Gene: CSNK2B (casein kinase 2 beta; plus strand). Cytogenetic location: 6p21.33.
Variant type: single nucleotide variant.
Coding change: c.474C>A on transcript NM_001320.7 (MANE Select); coding-DNA position 474, C replaced by A.
Protein change: p.Tyr158Ter; replaces tyrosine 158 with a stop codon.
Molecular consequence: nonsense.
Genome position (GRCh38, 1-based): chr6:31,669,425, C>A. VCF-style: chr6-31669425-C-A. GRCh37 (hg19) VCF-style: chr6-31637202-C-A.
Other names: c.465C>A, p.Tyr155Ter (NM_001282385.2); short protein forms Y155*, Y158*.
Identifiers: ClinVar variation 4879740 (VCV004879740.1).

ClinVar aggregate classification (germline): Pathogenic (1 of 4 stars; one submission).

Conditions:
Poirier-Bienvenu neurodevelopmental syndrome (POBINDS). Identifiers: Orphanet 689397, MedGen C5231482, MONDO:0032889, OMIM 618732.

Submission:

Victorian Clinical Genetics Services, Murdoch Childrens Research Institute
Classification: Pathogenic for Poirier-Bienvenu neurodevelopmental syndrome. Last evaluated: 2026-05-18. Review status: criteria provided, single submitter. Criteria: ACMG Guidelines, 2015. Collection method: clinical testing. Allele origin: germline. Affected: yes.
Comment: This variant is classified as Pathogenic. Evidence in support of pathogenic classification: Variant is predicted to cause nonsense-mediated decay (NMD) and loss of protein (premature termination codon is located at least 54 nucleotides upstream of the final exon-exon junction); Variant is absent from gnomAD (v2, v3 and v4); This variant has limited previous evidence of pathogenicity in unrelated individuals. An alternative nucleotide change resulting in the same amino acid change has been classified as pathogenic by clinical laboratories (ClinVar); Other NMD-predicted variants comparable to the one identified in this case have very strong previous evidence for pathogenicity (DECIPHER); Additional information: This variant is heterozygous; This gene is associated with autosomal dominant disease; No published evidence of segregation with disease has been identified for this variant; No published functional evidence has been identified for this variant; Loss of function is a known mechanism of disease in this gene and is associated with Poirier-Bienvenu neurodevelopmental syndrome (MIM#618732). Dominant negative is a suggested mechanism for missense variants (PMID: 35571680).

Literature cited by the submitters: PubMed 35571680.